The following is an entry in ClinVar:

ClinVar aggregate classification (germline): Likely pathogenic (1 of 4 stars; one submission).

Conditions:
Microcephaly with or without chorioretinopathy, lymphedema, or impaired intellectual development. Also called: MICROCEPHALY AND CHORIORETINOPATHY WITH OR WITHOUT MENTAL RETARDATION, AUTOSOMAL DOMINANT; MICROCEPHALY, LYMPHEDEMA, CHORIORETINAL DYSPLASIA SYNDROME; Microcephaly lymphedema chorioretinal dysplasia; Microcephaly with or without chorioretinopathy, lymphedema, or mental retardation; Microcephaly with or without chorioretinopathy, lymphedema, or intellectual disability. Identifiers: Orphanet 2526, MedGen C1835265, MONDO:0007918, OMIM 152950.

Submission:

Laboratory of Medical Genetics, National & Kapodistrian University of Athens
Classification: Likely pathogenic for Microcephaly with or without chorioretinopathy, lymphedema, or impaired intellectual development. Last evaluated: 2023-09-18. Review status: criteria provided, single submitter. Criteria: ACMG Guidelines, 2015. Collection method: clinical testing. Allele origin: de novo. Affected: yes.
Comment: PVS1, PS2, PM2 - Low frequency in gnomAD population databases. In silico prediction tools estimated that the variant could be damaging for the protein function/stracture. Loss-of-function is a known mechanism of disease for this gene. The variant was detected de-novo (paternity confirmed).

NM_004523.4(KIF11):c.2598_2601del (p.Gly868fs)

Gene: KIF11 (kinesin family member 11; plus strand). Cytogenetic location: 10q23.33.
Variant type: Deletion.
Coding change: c.2598_2601del on transcript NM_004523.4 (MANE Select); coding-DNA positions 2598 to 2601, 4 bases deleted (AGAT; older notation c.2598_2601delAGAT).
Protein change: p.Gly868fs; shifts the reading frame from glycine 868.
Molecular consequence: frameshift variant.
Genome position (GRCh38, 1-based): chr10:92,648,262-92,648,265, AGAT deleted. VCF-style (leftmost placement, unchanged base first): chr10-92648261-CAGAT-C. GRCh37 (hg19) VCF-style: chr10-94408018-CAGAT-C.
Other names: short protein forms G868fs.
Identifiers: ClinVar variation 3256554 (VCV003256554.1).